The following is an entry in ClinVar:

ClinVar aggregate classification (germline): Uncertain significance (1 of 4 stars; one submission).

Conditions:
Werner syndrome (WRN). Identifiers: Orphanet 902, MedGen C0043119, MONDO:0010196, OMIM 277700.

Submission:

Labcorp Genetics (formerly Invitae), Labcorp
Classification: Uncertain significance for Werner syndrome. Last evaluated: 2023-04-09. Review status: criteria provided, single submitter. Criteria: Invitae Variant Classification Sherloc (09022015). Collection method: clinical testing. Allele origin: germline.
Comment: In summary, the available evidence is currently insufficient to determine the role of this variant in disease. Therefore, it has been classified as a Variant of Uncertain Significance. An algorithm developed to predict the effect of missense changes on protein structure and function (PolyPhen-2) suggests that this variant is likely to be tolerated. This variant has not been reported in the literature in individuals affected with WRN-related conditions. This variant is not present in population databases (gnomAD no frequency). This sequence change replaces asparagine, which is neutral and polar, with isoleucine, which is neutral and non-polar, at codon 226 of the WRN protein (p.Asn226Ile).

NM_000553.6(WRN):c.677A>T (p.Asn226Ile)

Gene: WRN (WRN RecQ like helicase; plus strand). Cytogenetic location: 8p12.
Variant type: single nucleotide variant.
Coding change: c.677A>T on transcript NM_000553.6 (MANE Select); coding-DNA position 677, A replaced by T.
Protein change: p.Asn226Ile; replaces asparagine 226 with isoleucine.
Molecular consequence: missense variant.
Genome position (GRCh38, 1-based): chr8:31,068,280, A>T. VCF-style: chr8-31068280-A-T. GRCh37 (hg19) VCF-style: chr8-30925796-A-T.
Other names: short protein forms N226I.
Identifiers: ClinVar variation 2785347 (VCV002785347.3), dbSNP rs2535889413, ClinGen allele CA370916967.